The following is an entry in ClinVar:

NM_018012.4(KIF26B):c.776G>T (p.Gly259Val)

Gene: KIF26B (kinesin family member 26B; plus strand). Cytogenetic location: 1q44.
Variant type: single nucleotide variant.
Coding change: c.776G>T on transcript NM_018012.4 (MANE Select); coding-DNA position 776, G replaced by T.
Protein change: p.Gly259Val; replaces glycine 259 with valine.
Molecular consequence: missense variant.
Genome position (GRCh38, 1-based): chr1:245,367,144, G>T. VCF-style: chr1-245367144-G-T. GRCh37 (hg19) VCF-style: chr1-245530446-G-T.
Other names: short protein forms G259V.
Identifiers: ClinVar variation 3048017 (VCV003048017.2), dbSNP rs190637518, ClinGen allele CA1487468.
Genomic context (GRCh38, chr1:245,367,144, plus strand): 5'-TCCAGCAGCCCAGAGACTGGGCCTTTGTGCCCGCCCCCTGTGCCACCTCCAACTACACAG[G>T]CTTCGCCAACAAGCACGGCAGCAAACCCAGCAGCCTTGGGGTCAGCAATGGGGCGGAAAA-3'
Protein context (NP_060482.2, residues 249-269): PAPCATSNYT[Gly259Val]FANKHGSKPS

ClinVar aggregate classification (germline): Benign (0 of 4 stars; one submission).

Conditions:
KIF26B-related disorder. Also called: KIF26B-related condition.

Allele frequency attached by ClinVar (database versions not stated): 1000 Genomes Project 30x 0.00344; 1000 Genomes Project 0.00359.
gnomAD v4.1: 1,193 of 1,601,854 alleles (0.074%); highest among the groups gnomAD compares: South Asian, 1.2%; 15 homozygotes.

Submission:

PreventionGenetics, part of Exact Sciences
Classification: Benign for KIF26B-related condition. Last evaluated: 2019-12-06. Review status: no assertion criteria provided. Collection method: clinical testing. Allele origin: germline.
Comment: This variant is classified as benign based on ACMG/AMP sequence variant interpretation guidelines (Richards et al. 2015 PMID: 25741868, with internal and published modifications).